The following is an entry in ClinVar:

NM_001128840.3(CACNA1D):c.6371A>G (p.His2124Arg)

Gene: CACNA1D (calcium voltage-gated channel subunit alpha1 D; plus strand). Cytogenetic location: 3p21.1.
Variant type: single nucleotide variant.
Coding change: c.6371A>G on transcript NM_001128840.3 (MANE Select); coding-DNA position 6371, A replaced by G.
Protein change: p.His2124Arg; replaces histidine 2124 with arginine.
Molecular consequence: missense variant.
Genome position (GRCh38, 1-based): chr3:53,811,291, A>G. VCF-style: chr3-53811291-A-G. GRCh37 (hg19) VCF-style: chr3-53845318-A-G.
Other names: c.6431A>G, p.His2144Arg (NM_000720.4); c.6299A>G, p.His2100Arg (NM_001128839.3); short protein forms H2124R, H2144R, H2100R.
Identifiers: ClinVar variation 2834212 (VCV002834212.3), dbSNP rs2474579769, ClinGen allele CA353259354.

ClinVar aggregate classification (germline): Uncertain significance (1 of 4 stars; one submission).

Allele frequency attached by ClinVar (database versions not stated): gnomAD exomes below 0.00001.
gnomAD v4.1: 1 of 1,613,724 alleles (0.000062%); highest among the groups gnomAD compares: African/African-American, 0.0013%; no homozygotes.

Submission:

Labcorp Genetics (formerly Invitae), Labcorp
Classification: Uncertain significance. Last evaluated: 2024-01-08. Review status: criteria provided, single submitter. Criteria: Invitae Variant Classification Sherloc (09022015). Collection method: clinical testing. Allele origin: germline.
Comment: This sequence change replaces histidine, which is basic and polar, with arginine, which is basic and polar, at codon 2144 of the CACNA1D protein (p.His2144Arg). This variant is not present in population databases (gnomAD no frequency). This variant has not been reported in the literature in individuals affected with CACNA1D-related conditions. Algorithms developed to predict the effect of missense changes on protein structure and function output the following: SIFT: "Not Available"; PolyPhen-2: "Benign"; Align-GVGD: "Not Available". The arginine amino acid residue is found in multiple mammalian species, which suggests that this missense change does not adversely affect protein function. In summary, the available evidence is currently insufficient to determine the role of this variant in disease. Therefore, it has been classified as a Variant of Uncertain Significance.